The following is an entry in ClinVar:

Conditions:
Breast-ovarian cancer, familial, susceptibility to, 1 (BROVCA1). Also called: BRCA1 Hereditary Breast and Ovarian Cancer; OVARIAN CANCER, SUSCEPTIBILITY TO. Identifiers: Orphanet 145, MedGen C2676676, MONDO:0011450, OMIM 604370. Disease mechanism: loss of function.

Submission:

Brotman Baty Institute, University of Washington
No classification provided (evidence only). Condition: Breast-ovarian cancer, familial 1. Review status: no classification provided. Collection method: in vitro. Allele origin: not applicable. Functional consequence: functionally_normal.
ClinVar note: "not provided" was previously submitted as the classification for the variant. However, the classification appeared to be based only on an observation of functional data so it was converted to no classification on 2025-07-30.

NM_007294.4(BRCA1):c.118G>T (p.Asp40Tyr)

Gene: BRCA1 (BRCA1 DNA repair associated; minus strand). Cytogenetic location: 17q21.31.
Variant type: single nucleotide variant.
Coding change: c.118G>T on transcript NM_007294.4 (MANE Select); coding-DNA position 118, G replaced by T.
Protein change: p.Asp40Tyr; replaces aspartic acid 40 with tyrosine.
Molecular consequence: missense variant. On other transcripts: non-coding transcript variant (1), intron variant (1).
Genome position (GRCh38, 1-based): chr17:43,115,742, C>A on the plus strand (G>T on the coding strand, the complement: BRCA1 is on the minus strand). VCF-style: chr17-43115742-C-A. GRCh37 (hg19) VCF-style: chr17-41267759-C-A.
Other names: c.-71G>T (NM_001407571.1, NM_001407853.1, NM_001407879.1 and 52 more transcripts); c.118G>T, p.Asp40Tyr (NM_001407581.1, NM_001407582.1, NM_001407583.1 and 192 more transcripts); c.-140G>T (NM_001407694.1, NM_001407696.1, NM_001407724.1 and 13 more transcripts); c.-144G>T (NM_001407695.1, NM_001408465.1); c.-24G>T (NM_001407697.1, NM_001407725.1, NM_001407728.1 and 47 more transcripts); c.-20G>T (NM_001407841.1); c.-187G>T (NM_001407889.1, NM_001407900.1, NM_001408492.1); c.-186G>T (NM_001407960.1, NM_001407962.1, NM_001408510.1 and 1 more transcripts); and 2 more; short protein forms D40Y.
Identifiers: ClinVar variation 867818 (VCV000867818.3), dbSNP rs879255290, ClinGen allele CA10601923.